The following is an entry in ClinVar:

ClinVar aggregate classification (germline): Uncertain significance (1 of 4 stars; one submission).

Conditions:
Hereditary nonpolyposis colorectal neoplasms. Identifiers: MedGen C0009405, MeSH D003123.

Submission:

Labcorp Genetics (formerly Invitae), Labcorp
Classification: Uncertain significance for Hereditary nonpolyposis colorectal neoplasms. Last evaluated: 2024-06-04. Review status: criteria provided, single submitter. Criteria: Invitae Variant Classification Sherloc (09022015). Collection method: clinical testing. Allele origin: germline.
Comment: This sequence change replaces histidine, which is basic and polar, with proline, which is neutral and non-polar, at codon 1317 of the MSH6 protein (p.His1317Pro). This variant is not present in population databases (gnomAD no frequency). This variant has not been reported in the literature in individuals affected with MSH6-related conditions. Advanced modeling of protein sequence and biophysical properties (such as structural, functional, and spatial information, amino acid conservation, physicochemical variation, residue mobility, and thermodynamic stability) performed at Invitae indicates that this missense variant is not expected to disrupt MSH6 protein function with a negative predictive value of 95%. In summary, the available evidence is currently insufficient to determine the role of this variant in disease. Therefore, it has been classified as a Variant of Uncertain Significance.

NM_000179.3(MSH6):c.3950A>C (p.His1317Pro)

Gene: MSH6 (mutS homolog 6; plus strand). Cytogenetic location: 2p16.3.
Variant type: single nucleotide variant.
Coding change: c.3950A>C on transcript NM_000179.3 (MANE Select); coding-DNA position 3950, A replaced by C.
Protein change: p.His1317Pro; replaces histidine 1317 with proline.
Molecular consequence: missense variant. On other transcripts: non-coding transcript variant (5), intron variant (1).
Genome position (GRCh38, 1-based): chr2:47,806,600, A>C. VCF-style: chr2-47806600-A-C. GRCh37 (hg19) VCF-style: chr2-48033739-A-C.
Other names: c.3560A>C, p.His1187Pro (NM_001281492.2); c.3044A>C, p.His1015Pro (NM_001281493.2, NM_001281494.2, NM_001406811.1 and 6 more transcripts); c.4046A>C, p.His1349Pro (NM_001406795.1); c.3950A>C, p.His1317Pro (NM_001406796.1, NM_001406808.1, NM_001406809.1); c.3653A>C, p.His1218Pro (NM_001406797.1, NM_001406801.1, NM_001406805.1 and 10 more transcripts); c.3776A>C, p.His1259Pro (NM_001406798.1); c.3425A>C, p.His1142Pro (NM_001406799.1, NM_001406806.1, NM_001406807.1); c.3937A>C, p.Ile1313Leu (NM_001406800.1); and 9 more; short protein forms H1349P, H632P, H1029P, H1142P, H1187P, H1261P, H1317P, I1313L.
Identifiers: ClinVar variation 3633977 (VCV003633977.2).